The following is an entry in ClinVar:

ClinVar aggregate classification (germline): Likely pathogenic (1 of 4 stars; one submission).

Submission:

GeneDx
Classification: Likely pathogenic. Last evaluated: 2017-01-03. Review status: criteria provided, single submitter. Criteria: GeneDx Variant Classification (06012015). Collection method: clinical testing. Allele origin: germline. Affected: yes.
Comment: The Y2282C variant in the NIPBL gene has not been reported previously as a pathogenic variant, nor as a benign variant, to our knowledge. The Y2282C variant was not observed in approximately 6500 individuals of European and African American ancestry in the NHLBI Exome Sequencing Project, indicating it is not a common benign variant in these populations. The Y2282C variant is a non-conservative amino acid substitution, which is likely to impact secondary protein structure as these residues differ in polarity, charge, size and/or other properties. This substitution occurs at a position that is conserved across species. In silico analysis predicts this variant is probably damaging to the protein structure/function. Therefore, the Y2282C variant is a strong candidate for a pathogenic variant

NM_133433.4(NIPBL):c.6845A>G (p.Tyr2282Cys)

Gene: NIPBL (NIPBL cohesin loading factor; plus strand). Cytogenetic location: 5p13.2.
Variant type: single nucleotide variant.
Coding change: c.6845A>G on transcript NM_133433.4 (MANE Select); coding-DNA position 6845, A replaced by G.
Protein change: p.Tyr2282Cys; replaces tyrosine 2282 with cysteine.
Molecular consequence: missense variant.
Genome position (GRCh38, 1-based): chr5:37,049,192, A>G. VCF-style: chr5-37049192-A-G. GRCh37 (hg19) VCF-style: chr5-37049294-A-G.
Other names: c.6845A>G, p.Tyr2282Cys (NM_015384.5); short protein forms Y2282C.
Identifiers: ClinVar variation 391480 (VCV000391480.2), dbSNP rs1057524102, ClinGen allele CA16605364.